The following is an entry in ClinVar:

ClinVar aggregate classification (germline): Uncertain significance (1 of 4 stars; one submission).

Submission:

GeneDx
Classification: Uncertain significance. Last evaluated: 2022-12-29. Review status: criteria provided, single submitter. Criteria: GeneDx Variant Classification Process June 2021. Collection method: clinical testing. Allele origin: germline. Affected: yes.
Comment: Not observed at significant frequency in large population cohorts (gnomAD); In silico analysis supports that this missense variant does not alter protein structure/function; Has not been previously published as pathogenic or benign to our knowledge

NM_138927.4(SON):c.4223C>T (p.Pro1408Leu)

Gene: SON (SON DNA and RNA binding protein; plus strand). Cytogenetic location: 21q22.11.
Variant type: single nucleotide variant.
Coding change: c.4223C>T on transcript NM_138927.4 (MANE Select); coding-DNA position 4223, C replaced by T.
Protein change: p.Pro1408Leu; replaces proline 1408 with leucine.
Molecular consequence: missense variant. On other transcripts: non-coding transcript variant (1), intron variant (1).
Genome position (GRCh38, 1-based): chr21:33,553,454, C>T. VCF-style: chr21-33553454-C-T. GRCh37 (hg19) VCF-style: chr21-34925760-C-T.
Other names: c.4223C>T, p.Pro1408Leu (NM_001291411.2, NM_001412133.1, NM_032195.3 and 2 more transcripts); c.245-3702C>T (NM_001291412.3); short protein forms P1408L.
Identifiers: ClinVar variation 2507322 (VCV002507322.1), dbSNP rs2517379421, ClinGen allele CA410162190.